The following is an entry in ClinVar:

NM_003839.4(TNFRSF11A):c.1492G>T (p.Asp498Tyr)

Gene: TNFRSF11A (TNF receptor superfamily member 11a; plus strand). Cytogenetic location: 18q21.33.
Variant type: single nucleotide variant.
Coding change: c.1492G>T on transcript NM_003839.4 (MANE Select); coding-DNA position 1492, G replaced by T.
Protein change: p.Asp498Tyr; replaces aspartic acid 498 with tyrosine.
Molecular consequence: missense variant. On other transcripts: intron variant (3).
Genome position (GRCh38, 1-based): chr18:62,369,409, G>T. VCF-style: chr18-62369409-G-T. GRCh37 (hg19) VCF-style: chr18-60036642-G-T.
Other names: c.1450G>T, p.Asp484Tyr (NM_001278268.2); c.783+2649G>T (NM_001270949.2); c.730+7616G>T (NM_001270950.2); c.616+9360G>T (NM_001270951.2); short protein forms D484Y, D498Y.
Identifiers: ClinVar variation 4732136 (VCV004732136.1).
Genomic context (GRCh38, chr18:62,369,409, plus strand): 5'-CTTCCCCCTGAAGAAGAAGCCAGCAGGACGGAGGCCAGAGACCAGCCCGAGGATGGGGCT[G>T]ATGGGAGGCTCCCAAGCTCAGCGAGGGCAGGTGCCGGGTCTGGAAGCTCCCCTGGTGGCC-3'
Protein context (NP_003830.1, residues 488-508): EARDQPEDGA[Asp498Tyr]GRLPSSARAG

ClinVar aggregate classification (germline): Uncertain significance (1 of 4 stars; one submission).

Submission:

Labcorp Genetics (formerly Invitae), Labcorp
Classification: Uncertain significance. Last evaluated: 2025-12-03. Review status: criteria provided, single submitter. Criteria: Invitae Variant Classification Sherloc (09022015). Collection method: clinical testing. Allele origin: germline.
Comment: This sequence change replaces aspartic acid, which is acidic and polar, with tyrosine, which is neutral and polar, at codon 498 of the TNFRSF11A protein (p.Asp498Tyr). This variant is not present in population databases (gnomAD no frequency). This variant has not been reported in the literature in individuals affected with TNFRSF11A-related conditions. An algorithm developed to predict the effect of missense changes on protein structure and function (PolyPhen-2) suggests that this variant is likely to be disruptive. In summary, the available evidence is currently insufficient to determine the role of this variant in disease. Therefore, it has been classified as a Variant of Uncertain Significance.